The following is an entry in ClinVar:

NM_021008.4(DEAF1):c.634G>A (p.Gly212Ser)

Gene: DEAF1 (DEAF1 transcription factor; minus strand). Cytogenetic location: 11p15.5.
Variant type: single nucleotide variant.
Coding change: c.634G>A on transcript NM_021008.4 (MANE Select); coding-DNA position 634, G replaced by A.
Protein change: p.Gly212Ser; replaces glycine 212 with serine.
Molecular consequence: missense variant. On other transcripts: 5 prime UTR variant (1).
Genome position (GRCh38, 1-based): chr11:687,941, C>T on the plus strand (G>A on the coding strand, the complement: DEAF1 is on the minus strand). VCF-style: chr11-687941-C-T. GRCh37 (hg19) VCF-style: chr11-687941-C-T.
Other names: c.634G>A, p.Gly212Ser (NM_001293634.2); c.-93G>A (NM_001367390.1); short protein forms G212S.
Identifiers: ClinVar variation 375554 (VCV000375554.44), dbSNP rs1057519565, ClinGen allele CA16044346.
Genomic context (GRCh38, chr11:687,941, plus strand): 5'-AACTTTGGAGTCTGAAGTGGCAGTCCTCACCTGAGCCGAGCCTGTTCTTGTACAGAGTGC[C>T]GCTGATGTTCCGGCACCGTACGGGCAGCTCACTGTCGTACACAGAAGGGTCCCAGTTGTA-3'
Protein context (NP_066288.2, residues 202-222): ELPVRCRNIS[Gly212Ser]TLYKNRLGSG

ClinVar aggregate classification (germline): Pathogenic/Likely pathogenic. Review status: criteria provided, multiple submitters, no conflicts (2 of 4 stars). 12 submissions from 12 submitters: Pathogenic (9); Likely pathogenic (1). 2 of the submissions do not count toward it. Last evaluated 2025-05-28.

Conditions:
Neurodevelopmental delay. Identifiers: MedGen C4022738, HP:0012758.
DEAF1-related disorder.
Intellectual disability-epilepsy-extrapyramidal syndrome (NEDHELS). Also called: Dyskinesia, seizures, and intellectual developmental disorder. Identifiers: Orphanet 468620, MedGen C4310683, MONDO:0014952, OMIM 617171.
Intellectual disability, autosomal dominant 24 (VSVS). Also called: VULTO-VAN SILFHOUT-DE VRIES SYNDROME. Identifiers: MedGen C4014414, MONDO:0014357, OMIM 615828.

Submissions (12):

Revvity Omics, Revvity
Classification: Pathogenic. Last evaluated: 2025-05-28. Review status: criteria provided, single submitter. Criteria: ACMG Guidelines, 2015. Collection method: clinical testing. Allele origin: germline.

Labcorp Genetics (formerly Invitae), Labcorp
Classification: Pathogenic. Last evaluated: 2025-01-14. Review status: criteria provided, single submitter. Criteria: Invitae Variant Classification Sherloc (09022015). Collection method: clinical testing. Allele origin: germline.
Comment: This sequence change replaces glycine, which is neutral and non-polar, with serine, which is neutral and polar, at codon 212 of the DEAF1 protein (p.Gly212Ser). This variant is not present in population databases (gnomAD no frequency). This missense change has been observed in individual(s) with DEAF1-related conditions (PMID: 28940898, 30923367). In at least one individual the variant was observed to be de novo. ClinVar contains an entry for this variant (Variation ID: 375554). Invitae Evidence Modeling of protein sequence and biophysical properties (such as structural, functional, and spatial information, amino acid conservation, physicochemical variation, residue mobility, and thermodynamic stability) indicates that this missense variant is expected to disrupt DEAF1 protein function with a positive predictive value of 95%. Experimental studies have shown that this missense change affects DEAF1 function (PMID: 28940898, 30923367). For these reasons, this variant has been classified as Pathogenic.

Blueprint Genetics
Classification: Pathogenic for DEAF1-related disorders. Last evaluated: 2024-09-25. Review status: criteria provided, single submitter. Criteria: ACMG Guidelines, 2015. Collection method: clinical testing. Allele origin: germline. Affected: yes. Observed: 1 variant allele.

Institute of Human Genetics Munich, TUM University Hospital
Classification: Pathogenic for Intellectual disability, autosomal dominant 24. Last evaluated: 2023-11-14. Review status: criteria provided, single submitter. Criteria: Classification criteria August 2017. Collection method: clinical testing. Allele origin: de novo. Inheritance: Autosomal dominant inheritance. Affected: yes. Observed: 1 variant allele.

CeGaT Center for Human Genetics Tuebingen
Classification: Pathogenic. Last evaluated: 2023-09-01. Review status: criteria provided, single submitter. Criteria: CeGaT Center For Human Genetics Tuebingen Variant Classification Criteria Version 2. Collection method: clinical testing. Allele origin: germline. Affected: yes. Observed: 1 variant allele.
Comment: DEAF1: PS2, PM1, PM2, PM5, PP3, PS3:Supporting

GeneDx
Classification: Pathogenic. Last evaluated: 2022-10-17. Review status: criteria provided, single submitter. Criteria: GeneDx Variant Classification Process June 2021. Collection method: clinical testing. Allele origin: germline. Affected: yes.
Comment: Published functional studies demonstrate that this missense variant, which is located in the SAND domain, causes impaired transcriptional regulation (Chen et al., 2017; Nabais Sa et al., 2019); Not observed in large population cohorts (gnomAD); This variant is associated with the following publications: (PMID: 22941188, 28940898, 30923367, 30109124, 33994118)

HudsonAlpha Institute for Biotechnology
Classification: Pathogenic for Intellectual disability, autosomal dominant 24. Last evaluated: 2017-01-12. Review status: criteria provided, single submitter. Criteria: HA_assertions_20161101. Collection method: research. Allele origin: de novo. Affected: yes. Observed: 1 variant allele. Study: CSER-HudsonAlpha.

Baylor Genetics
Classification: Likely pathogenic for Intellectual disability, autosomal dominant 24. Last evaluated: 2015-01-06. Review status: criteria provided, single submitter. Criteria: ACMG Guidelines, 2015. Collection method: clinical testing. Allele origin: de novo. Inheritance: Autosomal dominant inheritance. Affected: yes. Observed: 1 variant allele, 1 heterozygote.

Centre de Biologie Pathologie Génétique, Centre Hospitalier Universitaire de Lille
Classification: Pathogenic for Neurodevelopmental delay. Review status: criteria provided, single submitter. Criteria: ACMG Guidelines, 2015. Collection method: clinical testing. Allele origin: de novo. Affected: yes.

Juno Genomics, Hangzhou Juno Genomics, Inc
Classification: Pathogenic for Intellectual disability, autosomal dominant 24. Review status: criteria provided, single submitter. Criteria: ACMG Guidelines, 2015. Collection method: clinical testing. Allele origin: germline. Affected: yes.
Comment: Absent from controls (or at extremely low frequency if recessive) in Genome Aggregation Database.;Well-established in vitro or in vivo functional studies supportive of a damaging effect on the gene or gene product.;The prevalence of the variant in affected individuals is significantly increased compared to the prevalence in controls.;Patient's phenotype or family history is highly specific for a disease with a single genetic etiology.;De novo (both maternity and paternity confirmed) in a patient with the disease and no family history.

OMIM
Classification: Pathogenic for VULTO-VAN SILFHOUT-DE VRIES SYNDROME. Last evaluated: 2020-06-01. Review status: no assertion criteria provided. Collection method: literature only. Allele origin: germline. Not counted in ClinVar's aggregate classification.

Hong-Tao Li Lab, Institute of Brain Science and Brain-inspired Research, Shandong First Medical University & Shandong Academy of Medical Sciences China
Classification: Pathogenic for Intellectual disability, autosomal dominant 24. Review status: no assertion criteria provided. Collection method: research. Allele origin: germline. Inheritance: Autosomal dominant inheritance. Affected: yes. Observed: 1 variant allele, 1 heterozygote. Not counted in ClinVar's aggregate classification.
Comment: Observed in affected individuals from a Pakistani neurodevelopmental-disorder research cohort of 263 individuals. Classification assigned using the ACMG/AMP framework.

Literature cited by the submitters: PubMed 28940898 (cited by 3 submitters); PubMed 30923367 (cited by Labcorp Genetics (formerly Invitae), Labcorp and OMIM).